The following is an entry in ClinVar:

ClinVar aggregate classification (germline): Benign/Likely benign. Review status: criteria provided, multiple submitters, no conflicts (2 of 4 stars). 4 submissions from 4 submitters: Benign (2); Likely benign (1). 1 of the submissions does not count toward it. Last evaluated 2021-06-19.

Conditions:
Kidney disorder. Also called: Kidney disease; Kidney Diseases; renal disorder; renal disease; Nephropathy. Identifiers: MedGen C0022658, MONDO:0005240, HP:0000112.

Allele frequency attached by ClinVar (database versions not stated): 1000 Genomes Project 30x 0.07464; gnomAD 0.10387 and 0.10517; TOPMed 0.09779; gnomAD exomes 0.12352; 1000 Genomes Project 0.07728.
gnomAD v4.1: 171,883 of 1,417,662 alleles (12%); highest among the groups gnomAD compares: Non-Finnish European, 13%; 11,259 homozygotes.

Submissions (4):

GeneDx
Classification: Benign. Last evaluated: 2021-06-19. Review status: criteria provided, single submitter. Criteria: GeneDx Variant Classification Process June 2021. Collection method: clinical testing. Allele origin: germline. Affected: yes.
Comment: This variant is associated with the following publications: (PMID: 22174912)

Genome Diagnostics Laboratory, The Hospital for Sick Children
Classification: Likely benign for Kidney disorder. Last evaluated: 2016-12-12. Review status: criteria provided, single submitter. Criteria: ACMG Guidelines, 2015. Collection method: clinical testing. Allele origin: germline.

Breakthrough Genomics
Classification: Benign. Review status: criteria provided, single submitter. Criteria: ACMG Guidelines, 2015. Collection method: not provided. Allele origin: germline. Inheritance: Autosomal recessive inheritance. Affected: yes.

Department of Ophthalmology and Visual Sciences Kyoto University
No classification provided. Review status: no classification provided. Collection method: not provided. Allele origin: not provided. Not counted in ClinVar's aggregate classification.

NM_000064.4(C3):c.3811-73C>G

Gene: C3 (complement C3; minus strand). Cytogenetic location: 19p13.3.
Variant type: single nucleotide variant.
Coding change: c.3811-73C>G on transcript NM_000064.4 (MANE Select); 73 bases into the intron before coding-DNA position 3811, C replaced by G.
Molecular consequence: intron variant.
Genome position (GRCh38, 1-based): chr19:6,685,219, G>C on the plus strand (C>G on the coding strand, the complement: C3 is on the minus strand). VCF-style: chr19-6685219-G-C. GRCh37 (hg19) VCF-style: chr19-6685230-G-C.
Identifiers: ClinVar variation 162178 (VCV000162178.6), dbSNP rs2241394, ClinGen allele CA248444.
Genomic context (GRCh38, chr19:6,685,219, plus strand): 5'-AGAGAGAAAGATGGTGATCTGGGAGCCTGGGAAAGTGGCTAGAATCCAGTGGGGGATAAA[G>C]AGGTTCAAATCAGAGCTGGGACATCAAAATGTGGCCTAGAACCTACTAGAGAGTGCAGGG-3'